The following is an entry in ClinVar:

NM_000059.4(BRCA2):c.9365C>A (p.Ala3122Glu)

Gene: BRCA2 (BRCA2 DNA repair associated; plus strand). Cytogenetic location: 13q13.1.
Variant type: single nucleotide variant.
Coding change: c.9365C>A on transcript NM_000059.4 (MANE Select); coding-DNA position 9365, C replaced by A.
Protein change: p.Ala3122Glu; replaces alanine 3122 with glutamic acid.
Molecular consequence: missense variant.
Genome position (GRCh38, 1-based): chr13:32,394,797, C>A. VCF-style: chr13-32394797-C-A. GRCh37 (hg19) VCF-style: chr13-32968934-C-A.
Other names: short protein forms A3122E.
Identifiers: ClinVar variation 531208 (VCV000531208.9), dbSNP rs571971903, ClinGen allele CA387761168.

ClinVar aggregate classification (germline): Uncertain significance (1 of 4 stars; one submission).

Conditions:
Hereditary breast ovarian cancer syndrome. Also called: Hereditary breast and ovarian cancer syndrome (HBOC); Hereditary breast and ovarian cancer syndrome; Breast and ovarian cancer; Hereditary breast and/or ovarian cancer syndrome; Hereditary breast and ovarian cancer; BRCA1- and BRCA2-Associated Hereditary Breast and Ovarian Cancer. Identifiers: Orphanet 145, MedGen C0677776, MeSH D061325, MONDO:0003582. Disease mechanism: loss of function.

Submission:

Labcorp Genetics (formerly Invitae), Labcorp
Classification: Uncertain significance for Hereditary breast ovarian cancer syndrome. Last evaluated: 2017-08-06. Review status: criteria provided, single submitter. Criteria: Invitae Variant Classification Sherloc (09022015). Collection method: clinical testing. Allele origin: germline.
Comment: This variant has not been reported in the literature in individuals with BRCA2-related disease. In summary, the available evidence is currently insufficient to determine the role of this variant in disease. Therefore, it has been classified as a Variant of Uncertain Significance. Algorithms developed to predict the effect of missense changes on protein structure and function do not agree on the potential impact of this missense change (SIFT: "Deleterious"; PolyPhen-2: "Probably Damaging"; Align-GVGD: "Class C15"). This variant is not present in population databases (ExAC no frequency). This sequence change replaces alanine with glutamic acid at codon 3122 of the BRCA2 protein (p.Ala3122Glu). The alanine residue is moderately conserved and there is a moderate physicochemical difference between alanine and glutamic acid.